The following is an entry in ClinVar:

ClinVar aggregate classification (germline): Pathogenic (1 of 4 stars; one submission).

Conditions:
Hereditary cancer-predisposing syndrome. Also called: Tumor predisposition; Hereditary Cancer Syndrome; Neoplastic Syndromes, Hereditary; Hereditary neoplastic syndrome. Identifiers: Orphanet 140162, MedGen C0027672, MeSH D009386, MONDO:0015356.

Submission:

Ambry Genetics
Classification: Pathogenic for Hereditary cancer-predisposing syndrome. Last evaluated: 2021-08-02. Review status: criteria provided, single submitter. Criteria: Ambry Variant Classification Scheme 2023. Collection method: clinical testing. Allele origin: germline.
Comment: The c.2781_2782dupTA pathogenic mutation, located in coding exon 4 of the MSH6 gene, results from a duplication of TA at nucleotide position 2781, causing a translational frameshift with a predicted alternate stop codon (p.T928Ifs*18). This alteration is expected to result in loss of function by premature protein truncation or nonsense-mediated mRNA decay. As such, this alteration is interpreted as a disease-causing mutation.

NM_000179.3(MSH6):c.2781_2782dup (p.Thr928fs)

Gene: MSH6 (mutS homolog 6; plus strand). Cytogenetic location: 2p16.3.
Variant type: Duplication.
Coding change: c.2781_2782dup on transcript NM_000179.3 (MANE Select); coding-DNA positions 2781 to 2782, 2 bases duplicated (TA; older notation c.2781_2782dupTA).
Protein change: p.Thr928fs; shifts the reading frame from threonine 928.
Molecular consequence: frameshift variant.
Genome position (GRCh38, 1-based): chr2:47,800,764-47,800,765, TA duplicated. VCF-style (leftmost placement, unchanged base first): chr2-47800763-T-TTA. GRCh37 (hg19) VCF-style: chr2-48027902-T-TTA.
Other names: c.2391_2392dup, p.Thr798fs (NM_001281492.2); c.1875_1876dup, p.Thr626fs (NM_001281493.2, NM_001281494.2); c.2877_2878dup, p.Thr960Ilefs (NM_001406795.1, NM_001406802.1); c.2781_2782dup, p.Thr928Ilefs (NM_001406796.1, NM_001406798.1, NM_001406800.1 and 2 more transcripts); c.2484_2485dup, p.Thr829Ilefs (NM_001406797.1, NM_001406801.1, NM_001406805.1 and 10 more transcripts); c.2256_2257dup, p.Thr753Ilefs (NM_001406799.1, NM_001406806.1, NM_001406807.1); c.2703_2704dup, p.Thr902Ilefs (NM_001406804.1); c.1875_1876dup, p.Thr626Ilefs (NM_001406811.1, NM_001406812.1, NM_001406814.1 and 4 more transcripts); and 4 more; short protein forms T626fs, T928fs, T798fs.
Identifiers: ClinVar variation 1795925 (VCV001795925.2), dbSNP rs2530692958, ClinGen allele CA2580068067.